The following is an entry in ClinVar:

NM_001364905.1(LRBA):c.2266G>A (p.Ala756Thr)

Gene: LRBA (LPS responsive beige-like anchor protein; minus strand). Cytogenetic location: 4q31.3.
Variant type: single nucleotide variant.
Coding change: c.2266G>A on transcript NM_001364905.1 (MANE Select); coding-DNA position 2266, G replaced by A.
Protein change: p.Ala756Thr; replaces alanine 756 with threonine.
Molecular consequence: missense variant.
Genome position (GRCh38, 1-based): chr4:150,871,446, C>T on the plus strand (G>A on the coding strand, the complement: LRBA is on the minus strand). VCF-style: chr4-150871446-C-T. GRCh37 (hg19) VCF-style: chr4-151792598-C-T.
Other names: c.2266G>A, p.Ala756Thr (NM_001199282.3, NM_001367550.1, NM_006726.5); short protein forms A756T.
Identifiers: ClinVar variation 2805908 (VCV002805908.1), dbSNP rs1029869775, ClinGen allele CA107834902.
Genomic context (GRCh38, chr4:150,871,446, plus strand): 5'-TCTGAAGCATGAGCCTTTCAGCTAGCAATGAAAACAATCCATGTCCAAGCATGACTTCTG[C>T]TTTCCTCCTGCAATTACACAAAAAGAAATCATCAAATGTAGAGCTTTTCTGTGCTCTACT-3'
Protein context (NP_001351834.1, residues 746-766): FLKHLAPKRK[Ala756Thr]EVMLGHGLFS

ClinVar aggregate classification (germline): Uncertain significance (1 of 4 stars; one submission).

Conditions:
Combined immunodeficiency due to LRBA deficiency. Also called: Common variable immunodeficiency 8, with autoimmunity. Identifiers: Orphanet 445018, MedGen C3553512, MONDO:0013863, OMIM 614700.

Submission:

Labcorp Genetics (formerly Invitae), Labcorp
Classification: Uncertain significance for Combined immunodeficiency due to LRBA deficiency. Last evaluated: 2023-04-12. Review status: criteria provided, single submitter. Criteria: Invitae Variant Classification Sherloc (09022015). Collection method: clinical testing. Allele origin: germline.
Comment: In summary, the available evidence is currently insufficient to determine the role of this variant in disease. Therefore, it has been classified as a Variant of Uncertain Significance. Advanced modeling of protein sequence and biophysical properties (such as structural, functional, and spatial information, amino acid conservation, physicochemical variation, residue mobility, and thermodynamic stability) performed at Invitae indicates that this missense variant is not expected to disrupt LRBA protein function. This variant has not been reported in the literature in individuals affected with LRBA-related conditions. This variant is not present in population databases (gnomAD no frequency). This sequence change replaces alanine, which is neutral and non-polar, with threonine, which is neutral and polar, at codon 756 of the LRBA protein (p.Ala756Thr).